The following is an entry in ClinVar:

NM_032043.3(BRIP1):c.2138del (p.Leu713fs)

Gene: BRIP1 (BRCA1 interacting DNA helicase 1; minus strand). Cytogenetic location: 17q23.2.
Variant type: Deletion.
Coding change: c.2138del on transcript NM_032043.3 (MANE Select); coding-DNA position 2138, one base deleted (T; older notation c.2138delT).
Protein change: p.Leu713fs; shifts the reading frame from leucine 713.
Molecular consequence: frameshift variant.
Genome position (GRCh38, 1-based): chr17:61,744,551, A deleted on the plus strand (T on the coding strand, the reverse complement: BRIP1 is on the minus strand); the first of 3 consecutive A bases (chr17:61,744,551-61,744,553); deleting any one gives the same sequence. VCF-style (leftmost placement, unchanged base first): chr17-61744550-TA-T. GRCh37 (hg19) VCF-style: chr17-59821911-TA-T.
Other names: c.2138delT (NM_032043.2); short protein forms L713fs.
Identifiers: ClinVar variation 1786505 (VCV001786505.2), dbSNP rs2544838613, ClinGen allele CA2580094490.
Genomic context (GRCh38, chr17:61,744,550, plus strand): 5'-TGTTTTTTCTCCTCCCTGTGGTTCTACAATGACTGTCTTCACCAACTCCAGATTATGCCA[TA>T]AACCAGTAGAGAGCCAACGTTCTTTTAATTTTTCTAATAACTAAAGAGGGGAAAGAAAAA-3'

ClinVar aggregate classification (germline): Pathogenic (1 of 4 stars; one submission).

Conditions:
Hereditary cancer-predisposing syndrome. Also called: Neoplastic Syndromes, Hereditary; Tumor predisposition; Hereditary Cancer Syndrome; Hereditary neoplastic syndrome. Identifiers: Orphanet 140162, MedGen C0027672, MeSH D009386, MONDO:0015356.

Submission:

Ambry Genetics
Classification: Pathogenic for Hereditary cancer-predisposing syndrome. Last evaluated: 2022-01-07. Review status: criteria provided, single submitter. Criteria: Ambry Variant Classification Scheme 2023. Collection method: clinical testing. Allele origin: germline.
Comment: The c.2138delT pathogenic mutation, located in coding exon 14 of the BRIP1 gene, results from a deletion of one nucleotide at nucleotide position 2138, causing a translational frameshift with a predicted alternate stop codon (p.L713Yfs*8). This variant is considered to be rare based on population cohorts in the Genome Aggregation Database (gnomAD). This alteration is expected to result in loss of function by premature protein truncation or nonsense-mediated mRNA decay. As such, this alteration is interpreted as a disease-causing mutation.